The following is an entry in ClinVar:

NM_007294.4(BRCA1):c.564A>G (p.Glu188=)

Gene: BRCA1 (BRCA1 DNA repair associated; minus strand). Cytogenetic location: 17q21.31.
Variant type: single nucleotide variant.
Coding change: c.564A>G on transcript NM_007294.4 (MANE Select); coding-DNA position 564, A replaced by G.
Protein change: p.Glu188=; no amino-acid change (glutamic acid 188 retained).
Molecular consequence: synonymous variant. On other transcripts: intron variant (115).
Genome position (GRCh38, 1-based): chr17:43,097,273, T>C on the plus strand (A>G on the coding strand, the complement: BRCA1 is on the minus strand). VCF-style: chr17-43097273-T-C. GRCh37 (hg19) VCF-style: chr17-41249290-T-C.
Other names: c.351A>G, p.Glu117= (NM_001407571.1, NM_001407853.1, NM_001407894.1 and 12 more transcripts); c.564A>G, p.Glu188= (NM_001407581.1, NM_001407582.1, NM_001407583.1 and 59 more transcripts); c.561A>G, p.Glu187= (NM_001407587.1, NM_001407590.1, NM_001407591.1 and 41 more transcripts); c.555A>G, p.Glu185= (NM_001407646.1, NM_001407647.1, NM_001408408.1); c.486A>G, p.Glu162= (NM_001407653.1, NM_001407654.1, NM_001407655.1 and 9 more transcripts); c.483A>G, p.Glu161= (NM_001407659.1, NM_001407660.1, NM_001407661.1 and 3 more transcripts); c.423A>G, p.Glu141= (NM_001407692.1, NM_001407694.1, NM_001407695.1 and 43 more transcripts); c.420A>G, p.Glu140= (NM_001407740.1, NM_001407741.1, NM_001407742.1 and 26 more transcripts); and 17 more.
Identifiers: ClinVar variation 184268 (VCV000184268.65), dbSNP rs768065826, ClinGen allele CA003738.

ClinVar aggregate classification (germline): Likely benign. Review status: reviewed by expert panel (3 of 4 stars). 13 submissions from 13 submitters: Likely benign (1). 12 of the submissions do not count toward it. Last evaluated 2017-06-29.

Conditions:
BRCA1-related cancer predisposition. Identifiers: MedGen CN377757, MONDO:0700268.
Hereditary cancer-predisposing syndrome. Also called: Tumor predisposition; Neoplastic Syndromes, Hereditary; Hereditary Cancer Syndrome; Hereditary neoplastic syndrome. Identifiers: Orphanet 140162, MedGen C0027672, MeSH D009386, MONDO:0015356.
Hereditary breast ovarian cancer syndrome. Also called: Hereditary breast and ovarian cancer; Hereditary breast and ovarian cancer syndrome (HBOC); Breast and ovarian cancer; Hereditary breast and/or ovarian cancer syndrome; BRCA1- and BRCA2-Associated Hereditary Breast and Ovarian Cancer; Hereditary breast and ovarian cancer syndrome. Identifiers: Orphanet 145, MedGen C0677776, MeSH D061325, MONDO:0003582. Disease mechanism: loss of function.
Breast-ovarian cancer, familial, susceptibility to, 1 (BROVCA1). Also called: OVARIAN CANCER, SUSCEPTIBILITY TO; BRCA1 Hereditary Breast and Ovarian Cancer. Identifiers: Orphanet 145, MedGen C2676676, MONDO:0011450, OMIM 604370. Disease mechanism: loss of function.

Allele frequency attached by ClinVar (database versions not stated): ExAC 0.00004; gnomAD 0.00001; gnomAD exomes 0.00001 and 0.00003; TOPMed 0.00002.
gnomAD v4.1: 20 of 1,613,668 alleles (0.0012%); highest among the groups gnomAD compares: Non-Finnish European, 0.0017%; no homozygotes.

Submissions (13):

Evidence-based Network for the Interpretation of Germline Mutant Alleles (ENIGMA)
Classification: Likely benign for Breast-ovarian cancer, familial, susceptibility to, 1. Last evaluated: 2017-06-29. Review status: reviewed by expert panel. Criteria: ENIGMA BRCA1/2 Classification Criteria (2017-06-29). Collection method: curation. Allele origin: germline.
Comment: Synonymous substitution variant, with low bioinformatic likelihood to result in a splicing aberration (Splicing prior probability 0.02).

CeGaT Center for Human Genetics Tuebingen
Classification: Likely benign. Last evaluated: 2025-09-01. Review status: criteria provided, single submitter. Criteria: CeGaT Center For Human Genetics Tuebingen Variant Classification Criteria Version 2. Collection method: clinical testing. Allele origin: germline. Affected: yes. Observed: 2 variant alleles. Not counted in ClinVar's aggregate classification.
Comment: BRCA1: BP4

Women's Health and Genetics/Laboratory Corporation of America, LabCorp
Classification: Likely benign. Last evaluated: 2025-08-28. Review status: criteria provided, single submitter. Criteria: LabCorp Variant Classification Summary - May 2015. Collection method: clinical testing. Allele origin: germline. Not counted in ClinVar's aggregate classification.
Comment: Variant summary: BRCA1 c.564A>G alters a conserved nucleotide resulting in a synonymous change. Consensus agreement among computation tools predict no significant impact on normal splicing. However, these predictions have yet to be confirmed by functional studies. The variant allele was found at a frequency of 3.2e-05 in 251252 control chromosomes. The available data on variant occurrences in the general population are insufficient to allow any conclusion about variant significance. To our knowledge, no occurrence of c.564A>G in individuals affected with BRCA1-related conditions and no experimental evidence demonstrating its impact on protein function have been reported. This variant was found in one healthy older woman in a reputed germline gnomic database (FLOSSIES). ClinVar contains an entry for this variant (Variation ID: 184268). Based on the evidence outlined above, the variant was classified as likely benign.

Labcorp Genetics (formerly Invitae), Labcorp
Classification: Likely benign for Hereditary breast ovarian cancer syndrome. Last evaluated: 2025-07-09. Review status: criteria provided, single submitter. Criteria: Invitae Variant Classification Sherloc (09022015). Collection method: clinical testing. Allele origin: germline. Not counted in ClinVar's aggregate classification.

Quest Diagnostics Nichols Institute San Juan Capistrano
Classification: Likely benign. Last evaluated: 2025-07-03. Review status: criteria provided, single submitter. Criteria: Quest Diagnostics criteria. Collection method: clinical testing. Allele origin: unknown. Not counted in ClinVar's aggregate classification.

Center for Genomic Medicine, Rigshospitalet, Copenhagen University Hospital
Classification: Likely benign. Last evaluated: 2025-03-04. Review status: criteria provided, single submitter. Criteria: ACMG Guidelines, 2015. Collection method: clinical testing. Allele origin: germline. Not counted in ClinVar's aggregate classification.

All of Us Research Program, National Institutes of Health
Classification: Likely benign for BRCA1-related cancer predisposition. Last evaluated: 2024-05-14. Review status: criteria provided, single submitter. Criteria: ACMG Guidelines, 2015. Collection method: clinical testing. Allele origin: germline. Inheritance: Autosomal dominant inheritance. Observed: 3 variant alleles, 3 heterozygotes. Not counted in ClinVar's aggregate classification.
Comment: This study involves interpretation of variants in research participants for the purpose of population health screening. Participant phenotype was not available at the time of variant classification. Additional details can be found in publication PMID: 35346344, PMCID: PMC8962531

GeneDx
Classification: Uncertain significance. Last evaluated: 2018-03-05. Review status: criteria provided, single submitter. Criteria: GeneDx Variant Classification (06012015). Collection method: clinical testing. Allele origin: germline. Affected: yes. Not counted in ClinVar's aggregate classification.
Comment: This variant is denoted BRCA1 c.564A>G at the DNA level. It is silent at the coding level, preserving a Glutamic Acid at codon 188. In silico analyses, which include splice predictors and evolutionary conservation, are uninformative in their assessment as to whether or not the variant is damaging. Using alternate nomenclature, this variant would be defined as BRCA1 683A>G. This variant has not, to our knowledge, been published in the literature as pathogenic or benign. BRCA1 c.564A>G was observed at an allele frequency of 0.007% (8/111646 alleles) in individuals of European (Non-Finnish) ancestry in large population cohorts (Lek 2016). Based on currently available evidence, it is unclear whether BRCA1 c.564A>G is a pathogenic or benign variant. We consider it to be a variant of uncertain significance.

Color Diagnostics, LLC DBA Color Health
Classification: Likely benign for Hereditary cancer-predisposing syndrome. Last evaluated: 2016-03-16. Review status: criteria provided, single submitter. Criteria: ACMG Guidelines, 2015. Collection method: clinical testing. Allele origin: germline. Not counted in ClinVar's aggregate classification.

Ambry Genetics
Classification: Likely benign for Hereditary cancer-predisposing syndrome. Last evaluated: 2015-07-17. Review status: criteria provided, single submitter. Criteria: Ambry Variant Classification Scheme 2023. Collection method: clinical testing. Allele origin: germline. Not counted in ClinVar's aggregate classification.

BRCAlab, Lund University
Classification: Likely benign for Breast-ovarian cancer, familial, susceptibility to, 1. Last evaluated: 2020-03-02. Review status: no assertion criteria provided. Collection method: clinical testing. Allele origin: germline. Affected: yes. Not counted in ClinVar's aggregate classification.

Clinical Genetics DNA and cytogenetics Diagnostics Lab, Erasmus MC, Erasmus Medical Center
Classification: Benign. Review status: no assertion criteria provided. Collection method: clinical testing. Allele origin: germline. Affected: yes. Study: VKGL Data-share Consensus. Not counted in ClinVar's aggregate classification.

Joint Genome Diagnostic Labs from Nijmegen and Maastricht, Radboudumc and MUMC+
Classification: Benign. Review status: no assertion criteria provided. Collection method: clinical testing. Allele origin: germline. Affected: yes. Study: VKGL Data-share Consensus. Not counted in ClinVar's aggregate classification.

Literature cited by the submitters: PubMed 20167696 (cited by Women's Health and Genetics/Laboratory Corporation of America, LabCorp).